The following is an entry in ClinVar:

NM_001673.5(ASNS):c.1476+1G>A

Genes: ASNS (asparagine synthetase (glutamine-hydrolyzing); minus strand), CZ1P-ASNS (CZ1P-ASNS readthrough; minus strand). Cytogenetic location: 7q21.3.
Variant type: single nucleotide variant.
Coding change: c.1476+1G>A on transcript NM_001673.5 (MANE Select); the canonical splice donor site of the intron after coding-DNA position 1476, G replaced by A.
Molecular consequence: splice donor variant.
Genome position (GRCh38, 1-based): chr7:97,853,059, C>T on the plus strand (G>A on the coding strand, the complement: ASNS is on the minus strand). VCF-style: chr7-97853059-C-T. GRCh37 (hg19) VCF-style: chr7-97482371-C-T.
Other names: c.1476+1G>A (NM_001352496.2, NM_183356.4, NM_133436.3); c.1227+1G>A (NM_001178076.2, NM_001178077.1); c.1413+1G>A (NM_001178075.2).
Identifiers: ClinVar variation 870425 (VCV000870425.8), dbSNP rs1791258447, ClinGen allele CA368264414.

ClinVar aggregate classification (germline): Pathogenic. Review status: criteria provided, multiple submitters, no conflicts (2 of 4 stars). 2 submissions from 2 submitters: Pathogenic (2). Last evaluated 2022-02-02.

Conditions:
Congenital microcephaly - severe encephalopathy - progressive cerebral atrophy syndrome. Also called: ASNS DEFICIENCY; Asparagine synthetase deficiency. Identifiers: Orphanet 391376, MedGen C3809971, MONDO:0014258, OMIM 615574.

Submissions (2):

Victorian Clinical Genetics Services, Murdoch Childrens Research Institute
Classification: Pathogenic for Congenital microcephaly - severe encephalopathy - progressive cerebral atrophy syndrome. Last evaluated: 2022-02-02. Review status: criteria provided, single submitter. Criteria: ACMG Guidelines, 2015. Collection method: clinical testing. Allele origin: germline. Inheritance: Autosomal recessive inheritance. Affected: yes.
Comment: Based on the classification scheme VCGS_Germline_v1.3.4, this variant is classified as Pathogenic. Following criteria are met: 0102 - Loss of function is a known mechanism of disease in this gene and is associated with asparagine synthetase deficiency (MIM#615574). (I) 0106 - This gene is associated with autosomal recessive disease. (I) 0209 - Splice site variant proven to affect splicing of the transcript with uncertain effect on protein sequence. RT-PCR splicing studies demonstrated that this splice site variant results in an in-frame exon skipping of exon 12, an in-frame deletion of 48 nucleotides in exon 12 and a premature termination codon due to retention of the introns 11 and 12 or just intron 12, both of which may be subjected to nonsense-mediated decay. However, the final protein outcome is currently unknown (PMID: 32906196). (SP) 0252 - This variant is homozygous. (I) 0301 - Variant is absent from gnomAD (both v2 and v3). (SP) 0508 - In silico predictions for abnormal splicing are inconclusive; however, the affected variant is highly conserved. (I) 0807 - This variant has no previous evidence of pathogenicity. (I) 0906 - Segregation evidence for this variant is inconclusive. (I) Legend: (SP) - Supporting pathogenic, (I) - Information, (SB) - Supporting benign

Kids Neuroscience Centre, Sydney Children's Hospitals Network
Classification: Pathogenic for Congenital microcephaly - severe encephalopathy - progressive cerebral atrophy syndrome. Review status: criteria provided, single submitter. Criteria: Bournazos AM et al. (Genet Med 2021). Collection method: clinical testing. Allele origin: inherited, unknown. Inheritance: Autosomal recessive inheritance. Affected: yes and no. Observed: 2 heterozygotes, 1 homozygote.
Comment: All splicing outcomes impact the asparagine synthetase domain (p.213–536) and are consistent with a damaging effect on the asparagine synthetase protein

Literature cited by the submitters: PubMed 32906196 (cited by Victorian Clinical Genetics Services, Murdoch Childrens Research Institute).